The following is an entry in ClinVar:

NM_002907.4(RECQL):c.1057A>G (p.Lys353Glu)

Gene: RECQL (RecQ like helicase; minus strand). Cytogenetic location: 12p12.1.
Variant type: single nucleotide variant.
Coding change: c.1057A>G on transcript NM_002907.4 (MANE Select); coding-DNA position 1057, A replaced by G.
Protein change: p.Lys353Glu; replaces lysine 353 with glutamic acid.
Molecular consequence: missense variant.
Genome position (GRCh38, 1-based): chr12:21,475,717, T>C on the plus strand (A>G on the coding strand, the complement: RECQL is on the minus strand). VCF-style: chr12-21475717-T-C. GRCh37 (hg19) VCF-style: chr12-21628651-T-C.
Other names: c.1057A>G, p.Lys353Glu (NM_032941.3); short protein forms K353E.
Identifiers: ClinVar variation 1024977 (VCV001024977.12), dbSNP rs934313016, ClinGen allele CA233569469.
Genomic context (GRCh38, chr12:21,475,717, plus strand): 5'-TGGAAGATATAGACCTAACCTGAATTTCATTGGCTGACCATTTTCTATGAACTGTGGTCT[T>C]ATCTTCTGGCTCCAAATTGGCATGGTAAGCACCTGCATGAATTCCCAGATTCTGCAAACT-3'
Protein context (NP_002898.2, residues 343-363): AYHANLEPED[Lys353Glu]TTVHRKWSAN

ClinVar aggregate classification (germline): Uncertain significance. Review status: criteria provided, multiple submitters, no conflicts (2 of 4 stars). 2 submissions from 2 submitters: Uncertain significance (2). Last evaluated 2024-11-01.

Allele frequency attached by ClinVar (database versions not stated): gnomAD 0.00001; TOPMed 0.00001.
gnomAD v4.1: 2 of 1,613,404 alleles (0.00012%); highest among the groups gnomAD compares: African/African-American, 0.0027%; no homozygotes.

Submissions (2):

Ambry Genetics
Classification: Uncertain significance. Last evaluated: 2024-11-01. Review status: criteria provided, single submitter. Criteria: Ambry Variant Classification Scheme 2023. Collection method: clinical testing. Allele origin: germline.
Comment: The p.K353E variant (also known as c.1057A>G), located in coding exon 8 of the RECQL gene, results from an A to G substitution at nucleotide position 1057. The lysine at codon 353 is replaced by glutamic acid, an amino acid with similar properties. This amino acid position is conserved. In addition, the in silico prediction for this alteration is inconclusive. Since supporting evidence is limited at this time, the clinical significance of this alteration remains unclear.

Labcorp Genetics (formerly Invitae), Labcorp
Classification: Uncertain significance. Last evaluated: 2022-09-07. Review status: criteria provided, single submitter. Criteria: Invitae Variant Classification Sherloc (09022015). Collection method: clinical testing. Allele origin: germline.
Comment: In summary, the available evidence is currently insufficient to determine the role of this variant in disease. Therefore, it has been classified as a Variant of Uncertain Significance. Algorithms developed to predict the effect of missense changes on protein structure and function are either unavailable or do not agree on the potential impact of this missense change (SIFT: "Deleterious"; PolyPhen-2: "Possibly Damaging"; Align-GVGD: "Class C15"). ClinVar contains an entry for this variant (Variation ID: 1024977). This variant has not been reported in the literature in individuals affected with RECQL-related conditions. This variant is not present in population databases (gnomAD no frequency). This sequence change replaces lysine, which is basic and polar, with glutamic acid, which is acidic and polar, at codon 353 of the RECQL protein (p.Lys353Glu).